The following is an entry in ClinVar:

NM_181332.3(NLGN4X):c.1853T>C (p.Met618Thr)

Gene: NLGN4X (neuroligin 4 X-linked; minus strand). Cytogenetic location: Xp22.32.
Variant type: single nucleotide variant.
Coding change: c.1853T>C on transcript NM_181332.3 (MANE Select); coding-DNA position 1853, T replaced by C.
Protein change: p.Met618Thr; replaces methionine 618 with threonine.
Molecular consequence: missense variant.
Genome position (GRCh38, 1-based): chrX:5,893,415, A>G on the plus strand (T>C on the coding strand, the complement: NLGN4X is on the minus strand). VCF-style: chrX-5893415-A-G. GRCh37 (hg19) VCF-style: chrX-5811456-A-G.
Other names: c.1853T>C, p.Met618Thr (NM_001282145.2, NM_001282146.2, NM_001441322.1 and 4 more transcripts); short protein forms M618T.
Identifiers: ClinVar variation 4755861 (VCV004755861.1).
Genomic context (GRCh38, chrX:5,893,415, plus strand): 5'-CGTTTGGTGGTTGGCCATATCTTGGCGGGAGATCGCCGGGTGCCATAGGGAAATGATGTC[A>G]TGTCTGGTGGAGGAACCTTTGTGGTTGTTGAAACATACTGGAATATCTCGTTCAAGTTGT-3'
Protein context (NP_851849.1, residues 608-628): STTTKVPPPD[Met618Thr]TSFPYGTRRS

ClinVar aggregate classification (germline): Uncertain significance (1 of 4 stars; one submission).

Submission:

GeneDx
Classification: Uncertain significance. Last evaluated: 2025-08-04. Review status: criteria provided, single submitter. Criteria: GeneDx Variant Classification Process June 2021. Collection method: clinical testing. Allele origin: germline. Affected: yes.
Comment: Not observed at significant frequency in large population cohorts (gnomAD); In silico analysis suggests that this missense variant does not alter protein structure/function; Has not been previously published as pathogenic or benign to our knowledge